The following is an entry in ClinVar:

ClinVar aggregate classification (germline): Conflicting classifications of pathogenicity. Review status: no assertion criteria provided (0 of 4 stars). 2 submissions from 2 submitters: Uncertain significance (1); Likely benign (1). Last evaluated 2022-05-08.

Conditions:
Ciliary dyskinesia, primary, 45. Also called: CILIARY DYSKINESIA, PRIMARY, 45, WITHOUT SITUS INVERSUS. Identifiers: MedGen C5394104, MONDO:0032924, OMIM 618801.
TTC12-related disorder. Also called: TTC12-related condition.

Allele frequency attached by ClinVar (database versions not stated): gnomAD 0.00056; 1000 Genomes Project 0.00040; ExAC 0.00050; 1000 Genomes Project 30x 0.00047; gnomAD exomes 0.00054; TOPMed 0.00074; ESP Exome Variant Server 0.00008.
gnomAD v4.1: 876 of 1,611,598 alleles (0.054%); highest among the groups gnomAD compares: Admixed American, 0.19%; 1 homozygote.

Submissions (5):

PreventionGenetics, part of Exact Sciences
Classification: Likely benign for TTC12-related condition. Last evaluated: 2022-05-08. Review status: no assertion criteria provided. Collection method: clinical testing. Allele origin: germline.
Comment: This variant is classified as likely benign based on ACMG/AMP sequence variant interpretation guidelines (Richards et al. 2015 PMID: 25741868, with internal and published modifications).

Dr. Peter K. Rogan Lab, Western University
No classification provided (evidence only). Condition: Hepatocellular carcinoma. Review status: no classification provided. Collection method: in vitro. Allele origin: not applicable. Functional consequence: retained intron. Not counted in ClinVar's aggregate classification.

Dr. Peter K. Rogan Lab, Western University
No classification provided (evidence only). Condition: Ovarian serous cystadenocarcinoma. Review status: no classification provided. Collection method: in vitro. Allele origin: not applicable. Functional consequence: retained intron. Not counted in ClinVar's aggregate classification.

Dr. Peter K. Rogan Lab, Western University
No classification provided (evidence only). Condition: Ovarian serous cystadenocarcinoma. Review status: no classification provided. Collection method: in vitro. Allele origin: not applicable. Functional consequence: retained intron. Not counted in ClinVar's aggregate classification.

Institute of Human Genetics, University of Wuerzburg
Classification: Uncertain significance for Ciliary dyskinesia, primary, 45. Review status: no assertion criteria provided. Collection method: clinical testing. Allele origin: unknown. Affected: yes. Observed: 1 variant allele.

NM_017868.4(TTC12):c.1801A>G (p.Ile601Val)

Gene: TTC12 (tetratricopeptide repeat domain 12; plus strand). Cytogenetic location: 11q23.2.
Variant type: single nucleotide variant.
Coding change: c.1801A>G on transcript NM_017868.4 (MANE Select); coding-DNA position 1801, A replaced by G.
Protein change: p.Ile601Val; replaces isoleucine 601 with valine.
Molecular consequence: missense variant. On other transcripts: non-coding transcript variant (3).
Genome position (GRCh38, 1-based): chr11:113,363,912, A>G. VCF-style: chr11-113363912-A-G. GRCh37 (hg19) VCF-style: chr11-113234634-A-G.
Other names: NC_000011.9:g.113234634A>G; c.1819A>G, p.Ile607Val (NM_001318533.2); c.1726A>G, p.Ile576Val (NM_001352037.2); c.1804A>G, p.Ile602Val (NM_001378063.1); c.1801A>G, p.Ile601Val (NM_001378064.1, NM_001378065.1); c.1819A>G (NM_001318533.1); short protein forms I576V, I601V, I602V, I607V.
Identifiers: ClinVar variation 2578377 (VCV002578377.4), dbSNP rs199526774, ClinGen allele CA6280296.